The following is an entry in ClinVar:

NM_033380.3(COL4A5):c.1754G>A (p.Gly585Glu)

Gene: COL4A5 (collagen type IV alpha 5 chain; plus strand). Cytogenetic location: Xq22.3.
Variant type: single nucleotide variant.
Coding change: c.1754G>A on transcript NM_033380.3 (MANE Select); coding-DNA position 1754, G replaced by A.
Protein change: p.Gly585Glu; replaces glycine 585 with glutamic acid.
Molecular consequence: missense variant.
Genome position (GRCh38, 1-based): chrX:108,597,543, G>A. VCF-style: chrX-108597543-G-A. GRCh37 (hg19) VCF-style: chrX-107840773-G-A.
Other names: c.1754G>A, p.Gly585Glu (NM_000495.5); short protein forms G585E.
Identifiers: ClinVar variation 3636320 (VCV003636320.2).

ClinVar aggregate classification (germline): Likely pathogenic (1 of 4 stars; one submission).

Submission:

Labcorp Genetics (formerly Invitae), Labcorp
Classification: Likely pathogenic. Last evaluated: 2024-02-22. Review status: criteria provided, single submitter. Criteria: Invitae Variant Classification Sherloc (09022015). Collection method: clinical testing. Allele origin: germline.
Comment: This sequence change replaces glycine, which is neutral and non-polar, with glutamic acid, which is acidic and polar, at codon 585 of the COL4A5 protein (p.Gly585Glu). This variant is not present in population databases (gnomAD no frequency). This variant has not been reported in the literature in individuals affected with COL4A5-related conditions. Advanced modeling of protein sequence and biophysical properties (such as structural, functional, and spatial information, amino acid conservation, physicochemical variation, residue mobility, and thermodynamic stability) performed at Invitae indicates that this missense variant is expected to disrupt COL4A5 protein function with a positive predictive value of 95%. This variant disrupts the triple helix domain of COL4A5. Glycine residues within the Gly-Xaa-Yaa repeats of the triple helix domain are required for the structure and stability of fibrillar collagens (PMID: 7695699, 8218237, 19344236). In COL4A5, missense variants at these glycine residues are significantly enriched in individuals with disease (PMID: 23720012, 27627812) compared to the general population (ExAC). This variant disrupts the p.Gly585 amino acid residue in COL4A5. Other variant(s) that disrupt this residue have been observed in individuals with COL4A5-related conditions (PMID: 30968591, 31328266), which suggests that this may be a clinically significant amino acid residue. In summary, the currently available evidence indicates that the variant is pathogenic, but additional data are needed to prove that conclusively. Therefore, this variant has been classified as Likely Pathogenic.

Literature cited by the submitters: PubMed 7695699; PubMed 8218237; PubMed 19344236; PubMed 23720012; PubMed 27627812; PubMed 30968591; PubMed 31328266.